The following is an entry in ClinVar:

ClinVar aggregate classification (germline): Pathogenic (1 of 4 stars; one submission).

Conditions:
Hereditary cancer-predisposing syndrome. Also called: Neoplastic Syndromes, Hereditary; Tumor predisposition; Hereditary neoplastic syndrome; Hereditary Cancer Syndrome. Identifiers: Orphanet 140162, MedGen C0027672, MeSH D009386, MONDO:0015356.

Submission:

Ambry Genetics
Classification: Pathogenic for Hereditary cancer-predisposing syndrome. Last evaluated: 2024-02-07. Review status: criteria provided, single submitter. Criteria: Ambry Variant Classification Scheme 2023. Collection method: clinical testing. Allele origin: germline.
Comment: The p.G232* pathogenic mutation (also known as c.694G>T), located in coding exon 5 of the FH gene, results from a G to T substitution at nucleotide position 694. This changes the amino acid from a glycine to a stop codon within coding exon 5. This variant has been observed in at least one individual with a personal and/or family history that is consistent with hereditary leiomyomatosis and renal cell cancer (Ambry internal data). This variant is considered to be rare based on population cohorts in the Genome Aggregation Database (gnomAD). This alteration is expected to result in loss of function by premature protein truncation or nonsense-mediated mRNA decay. As such, this alteration is interpreted as a disease-causing mutation.

NM_000143.4(FH):c.694G>T (p.Gly232Ter)

Gene: FH (fumarate hydratase; minus strand). Cytogenetic location: 1q43.
Variant type: single nucleotide variant.
Coding change: c.694G>T on transcript NM_000143.4 (MANE Select); coding-DNA position 694, G replaced by T.
Protein change: p.Gly232Ter; replaces glycine 232 with a stop codon.
Molecular consequence: nonsense.
Genome position (GRCh38, 1-based): chr1:241,508,647, C>A on the plus strand (G>T on the coding strand, the complement: FH is on the minus strand). VCF-style: chr1-241508647-C-A. GRCh37 (hg19) VCF-style: chr1-241671947-C-A.
Other names: short protein forms G232*.
Identifiers: ClinVar variation 3230459 (VCV003230459.1), dbSNP rs1231254705, ClinGen allele CA345439223.
Genomic context (GRCh38, chr1:241,508,647, plus strand): 5'-AGTCAAACTCCTATACCTGCCCAAGAGTAAGTGGAACAGCATCCTGAGTATGAGTACGTC[C>A]AATCTTGATGATCTGTGCAAACTCTTTGGATTTTGCATCAAGAGCATCATGTAACTTCTG-3'